The following is an entry in ClinVar:

ClinVar aggregate classification (germline): Uncertain significance (1 of 4 stars; one submission).

Conditions:
Myofibrillar myopathy 5. Also called: FILAMINOPATHY, AUTOSOMAL DOMINANT; Filaminopathy (type). Identifiers: Orphanet 171445, MedGen C1836050, MONDO:0012289, OMIM 609524.
Distal myopathy with posterior leg and anterior hand involvement. Also called: WILLIAMS DISTAL MYOPATHY. Identifiers: Orphanet 63273, MedGen C3279722, MONDO:0013550, OMIM 614065.
Hypertrophic cardiomyopathy 26. Also called: Cardiomyopathy, familial hypertrophic, 26. Identifiers: Orphanet 75249, MedGen C4310749, MONDO:0014883, OMIM 617047.

gnomAD v4.1: 2 of 1,614,180 alleles (0.00012%); highest among the groups gnomAD compares: African/African-American, 0.0027%; no homozygotes.

Submission:

Labcorp Genetics (formerly Invitae), Labcorp
Classification: Uncertain significance for Distal myopathy with posterior leg and anterior hand involvement; Myofibrillar myopathy 5; Hypertrophic cardiomyopathy 26. Last evaluated: 2026-01-09. Review status: criteria provided, single submitter. Criteria: Invitae Variant Classification Sherloc (09022015). Collection method: clinical testing. Allele origin: germline.
Comment: This sequence change replaces tyrosine, which is neutral and polar, with aspartic acid, which is acidic and polar, at codon 2511 of the FLNC protein (p.Tyr2511Asp). This variant is not present in population databases (gnomAD no frequency). This variant has not been reported in the literature in individuals affected with FLNC-related conditions. Invitae Evidence Modeling of protein sequence and biophysical properties (such as structural, functional, and spatial information, amino acid conservation, physicochemical variation, residue mobility, and thermodynamic stability) indicates that this missense variant is not expected to disrupt FLNC protein function with a negative predictive value of 95%. In summary, the available evidence is currently insufficient to determine the role of this variant in disease. Therefore, it has been classified as a Variant of Uncertain Significance.

NM_001458.5(FLNC):c.7531T>G (p.Tyr2511Asp)

Genes: FLNC-AS1 (FLNC antisense RNA 1; minus strand), FLNC (filamin C; plus strand). Cytogenetic location: 7q32.1.
Variant type: single nucleotide variant.
Coding change: c.7531T>G on transcript NM_001458.5 (MANE Select); coding-DNA position 7531, T replaced by G.
Protein change: p.Tyr2511Asp; replaces tyrosine 2511 with aspartic acid.
Molecular consequence: missense variant.
Genome position (GRCh38, 1-based): chr7:128,856,891, T>G. VCF-style: chr7-128856891-T-G. GRCh37 (hg19) VCF-style: chr7-128496945-T-G.
Other names: c.7432T>G, p.Tyr2478Asp (NM_001127487.2); short protein forms Y2478D, Y2511D.
Identifiers: ClinVar variation 4812359 (VCV004812359.1).
Genomic context (GRCh38, chr7:128,856,891, plus strand): 5'-CCCTTCAAGATCCGCGTTGGGGAGCAGAGCCAGGCTGGGGACCCAGGCTTGGTGTCAGCC[T>G]ACGGTCCTGGGCTCGAGGGAGGCACTACCGGTGAGTGCCTGGAGCTGGGGAACAGGGTGA-3'
Protein context (NP_001449.3, residues 2501-2521): QAGDPGLVSA[Tyr2511Asp]GPGLEGGTTG